The following is an entry in ClinVar:

ClinVar aggregate classification (germline): Uncertain significance (1 of 4 stars; one submission).

Conditions:
Combined immunodeficiency due to CTPS1 deficiency. Also called: Immunodeficiency 24; Severe combined immunodeficiency due to CTPS1 deficiency. Identifiers: Orphanet 420573, MedGen C4014617, MONDO:0014391, OMIM 615897.

Submission:

Labcorp Genetics (formerly Invitae), Labcorp
Classification: Uncertain significance for Combined immunodeficiency due to CTPS1 deficiency. Last evaluated: 2024-05-22. Review status: criteria provided, single submitter. Criteria: Invitae Variant Classification Sherloc (09022015). Collection method: clinical testing. Allele origin: germline.
Comment: This sequence change replaces histidine, which is basic and polar, with leucine, which is neutral and non-polar, at codon 553 of the CTPS1 protein (p.His553Leu). This variant is not present in population databases (gnomAD no frequency). This variant has not been reported in the literature in individuals affected with CTPS1-related conditions. ClinVar contains an entry for this variant (Variation ID: 1927053). An algorithm developed to predict the effect of missense changes on protein structure and function (PolyPhen-2) suggests that this variant is likely to be tolerated. In summary, the available evidence is currently insufficient to determine the role of this variant in disease. Therefore, it has been classified as a Variant of Uncertain Significance.

NM_001905.4(CTPS1):c.1658A>T (p.His553Leu)

Gene: CTPS1 (CTP synthase 1; plus strand). Cytogenetic location: 1p34.2.
Variant type: single nucleotide variant.
Coding change: c.1658A>T on transcript NM_001905.4 (MANE Select); coding-DNA position 1658, A replaced by T.
Protein change: p.His553Leu; replaces histidine 553 with leucine.
Molecular consequence: missense variant. On other transcripts: non-coding transcript variant (1).
Genome position (GRCh38, 1-based): chr1:41,009,556, A>T. VCF-style: chr1-41009556-A-T. GRCh37 (hg19) VCF-style: chr1-41475228-A-T.
Other names: c.1190A>T, p.His397Leu (NM_001301237.2); short protein forms H397L, H553L.
Identifiers: ClinVar variation 1927053 (VCV001927053.5), dbSNP rs1558172776, ClinGen allele CA339906715.